The following is an entry in ClinVar:

NM_017780.4(CHD7):c.1419G>C (p.Gly473=)

Gene: CHD7 (chromodomain helicase DNA binding protein 7; plus strand). Cytogenetic location: 8q12.2.
Variant type: single nucleotide variant.
Coding change: c.1419G>C on transcript NM_017780.4 (MANE Select); coding-DNA position 1419, G replaced by C.
Protein change: p.Gly473=; no amino-acid change (glycine 473 retained).
Molecular consequence: synonymous variant.
Genome position (GRCh38, 1-based): chr8:60,742,851, G>C. VCF-style: chr8-60742851-G-C. GRCh37 (hg19) VCF-style: chr8-61655410-G-C.
Other names: p.Gly473=; c.1419G>C, p.Gly473= (NM_001316690.1).
Identifiers: ClinVar variation 95774 (VCV000095774.65), dbSNP rs186394299, ClinGen allele CA148844.

ClinVar aggregate classification (germline): Benign/Likely benign. Review status: criteria provided, multiple submitters, no conflicts (2 of 4 stars). 15 submissions from 15 submitters: Benign (6); Likely benign (7). 2 of the submissions do not count toward it. Last evaluated 2026-02-03.

Conditions:
Inborn genetic diseases. Identifiers: MedGen C0950123, MeSH D030342.
Hypogonadotropic hypogonadism 5 with or without anosmia (KAL5). Also called: CHD7-Related GnRH Deficiency (Kallmann Syndrome 5); HYPOGONADOTROPIC HYPOGONADISM 5 WITH ANOSMIA; HYPOGONADOTROPHIC HYPOGONADISM 5 WITHOUT ANOSMIA. Identifiers: Orphanet 478, MedGen C3552553, MONDO:0012880, OMIM 612370. Disease mechanism: loss of function.
CHARGE syndrome (CHARGE). Also called: CHARGE ASSOCIATION--COLOBOMA, HEART ANOMALY, CHOANAL ATRESIA, RETARDATION, GENITAL AND EAR ANOMALIES; Hittner Hirsch Kreh syndrome; Coloboma, heart anomaly, choanal atresia, retardation, genital and ear anomalies; CHARGE association; Hall-Hittner syndrome. Identifiers: Orphanet 138, MedGen C0265354, MONDO:0008965.

Allele frequency attached by ClinVar (database versions not stated): ESP Exome Variant Server 0.00104; TOPMed 0.00161; 1000 Genomes Project 30x 0.00078; gnomAD exomes 0.00195 and 0.00103; 1000 Genomes Project 0.00060; gnomAD 0.00141 and 0.00144; ExAC 0.00182.
gnomAD v4.1: 1,853 of 1,612,716 alleles (0.11%); highest among the groups gnomAD compares: Middle Eastern, 0.58%; 15 homozygotes.

Submissions (15):

Labcorp Genetics (formerly Invitae), Labcorp
Classification: Benign for CHARGE syndrome. Last evaluated: 2026-02-03. Review status: criteria provided, single submitter. Criteria: Invitae Variant Classification Sherloc (09022015). Collection method: clinical testing. Allele origin: germline.

CeGaT Center for Human Genetics Tuebingen
Classification: Likely benign. Last evaluated: 2026-02-01. Review status: criteria provided, single submitter. Criteria: CeGaT Center For Human Genetics Tuebingen Variant Classification Criteria Version 2. Collection method: clinical testing. Allele origin: germline. Affected: yes. Observed: 17 variant alleles.
Comment: CHD7: BP4, BP7

Mayo Clinic Laboratories, Mayo Clinic
Classification: Benign. Last evaluated: 2025-03-30. Review status: criteria provided, single submitter. Criteria: ACMG Guidelines, 2015. Collection method: clinical testing. Allele origin: germline. Observed: 1 variant allele.
Comment: BS1, BS2, BP4, BP7

Blueprint Genetics
Classification: Likely benign. Last evaluated: 2024-11-21. Review status: criteria provided, single submitter. Criteria: ACMG Guidelines, 2015. Collection method: clinical testing. Allele origin: germline.

Fulgent Genetics
Classification: Likely benign for CHD7-related CHARGE syndrome; Hypogonadotropic hypogonadism 5 with or without anosmia. Last evaluated: 2021-08-13. Review status: criteria provided, single submitter. Criteria: ACMG Guidelines, 2015. Collection method: clinical testing. Allele origin: unknown.

Illumina Laboratory Services, Illumina
Classification: Benign for Kallmann Syndrome 5. Last evaluated: 2018-01-13. Review status: criteria provided, single submitter. Criteria: ICSL Variant Classification Criteria 13 December 2019. Collection method: clinical testing. Allele origin: germline.
Comment: This variant was observed in the ICSL laboratory as part of a predisposition screen in an ostensibly healthy population. It had not been previously curated by ICSL or reported in the Human Gene Mutation Database (HGMD: prior to June 1st, 2018), and was therefore a candidate for classification through an automated scoring system. Utilizing variant allele frequency, disease prevalence and penetrance estimates, and inheritance mode, an automated score was calculated to assess if this variant is too frequent to cause the disease. Based on the score and internal cut-off values, a variant classified as benign is not then subjected to further curation. The score for this variant resulted in a classification of benign for this disease.

Laboratory for Molecular Medicine, Mass General Brigham Personalized Medicine
Classification: Likely benign. Last evaluated: 2017-08-23. Review status: criteria provided, single submitter. Criteria: LMM Criteria. Collection method: clinical testing. Allele origin: germline. Observed: 1 variant allele.
Comment: p.Gly473Gly in exon 2 of CHD7: This variant is not expected to have clinical significance because it does not alter an amino acid residue and is not located within the splice consensus sequence. It has been identified in 0.28% (174/62782) of European chromosomes by the Exome Aggregation Consortium (ExAC; dbSNP rs186394299).

Genetic Services Laboratory, University of Chicago
Classification: Likely benign. Last evaluated: 2016-11-07. Review status: criteria provided, single submitter. Criteria: ACMG Guidelines, 2015. Collection method: clinical testing. Allele origin: germline. Affected: no.

Ambry Genetics
Classification: Likely benign for Inborn genetic diseases. Last evaluated: 2016-05-11. Review status: criteria provided, single submitter. Criteria: Ambry Variant Classification Scheme 2023. Collection method: clinical testing. Allele origin: germline.

GeneDx
Classification: Benign. Last evaluated: 2015-03-03. Review status: criteria provided, single submitter. Criteria: GeneDx Variant Classification Process June 2021. Collection method: clinical testing. Allele origin: germline. Affected: yes.

Eurofins Ntd Llc (ga)
Classification: Benign. Last evaluated: 2013-08-08. Review status: criteria provided, single submitter. Criteria: EGL Classification Definitions 2015. Collection method: clinical testing. Allele origin: germline. Observed: 4 variant alleles, 4 heterozygotes.

Breakthrough Genomics
Classification: Likely benign. Review status: criteria provided, single submitter. Criteria: ACMG Guidelines, 2015. Collection method: not provided. Allele origin: germline. Inheritance: Autosomal dominant inheritance. Affected: yes.

PreventionGenetics, part of Exact Sciences
Classification: Benign. Review status: criteria provided, single submitter. Criteria: ACMG Guidelines, 2015. Collection method: clinical testing. Allele origin: germline.

Clinical Genetics DNA and cytogenetics Diagnostics Lab, Erasmus MC, Erasmus Medical Center
Classification: Likely benign. Review status: no assertion criteria provided. Collection method: clinical testing. Allele origin: germline. Affected: yes. Study: VKGL Data-share Consensus. Not counted in ClinVar's aggregate classification.

Joint Genome Diagnostic Labs from Nijmegen and Maastricht, Radboudumc and MUMC+
Classification: Benign. Review status: no assertion criteria provided. Collection method: clinical testing. Allele origin: germline. Affected: yes. Study: VKGL Data-share Consensus. Not counted in ClinVar's aggregate classification.